The following is an entry in ClinVar:

ClinVar aggregate classification (germline): Uncertain significance (1 of 4 stars; one submission).

Allele frequency attached by ClinVar (database versions not stated): gnomAD exomes below 0.00001.
gnomAD v4.1: 1 of 1,614,110 alleles (0.000062%); highest among the groups gnomAD compares: Non-Finnish European, 0.000085%; no homozygotes.

Submission:

Laboratory for Molecular Medicine, Mass General Brigham Personalized Medicine
Classification: Uncertain significance. Last evaluated: 2014-07-09. Review status: criteria provided, single submitter. Criteria: LMM Criteria. Collection method: clinical testing. Allele origin: germline. Observed: 2 variant alleles.
Comment: Variant classified as Uncertain Significance - Favor Pathogenic. The Gly599Asp v ariant in TMC1 has not been previously reported in individuals with hearing loss or in large population studies. Computational prediction tools and conservation analyses do not provide strong support for or against an impact to the protein. In summary, additional data is needed to determine the clinical significance of this variant.

NM_138691.3(TMC1):c.1796G>A (p.Gly599Asp)

Gene: TMC1 (transmembrane channel like 1; plus strand). Cytogenetic location: 9q21.13.
Variant type: single nucleotide variant.
Coding change: c.1796G>A on transcript NM_138691.3 (MANE Select); coding-DNA position 1796, G replaced by A.
Protein change: p.Gly599Asp; replaces glycine 599 with aspartic acid.
Molecular consequence: missense variant.
Genome position (GRCh38, 1-based): chr9:72,820,874, G>A. VCF-style: chr9-72820874-G-A. GRCh37 (hg19) VCF-style: chr9-75435790-G-A.
Other names: short protein forms G599D.
Identifiers: ClinVar variation 165439 (VCV000165439.5), dbSNP rs727503486, ClinGen allele CA178214.